The following is an entry in ClinVar:

ClinVar aggregate classification (germline): Benign/Likely benign. Review status: criteria provided, multiple submitters, no conflicts (2 of 4 stars). 5 submissions from 5 submitters: Benign (1); Likely benign (3). 1 of the submissions does not count toward it. Last evaluated 2026-01-28.

Conditions:
Holocarboxylase synthetase deficiency. Also called: MULTIPLE CARBOXYLASE DEFICIENCY, EARLY ONSET. Identifiers: Orphanet 79242, MedGen C0268581, MONDO:0009666, OMIM 253270.

Allele frequency attached by ClinVar (database versions not stated): gnomAD exomes 0.00028 and 0.00067; ExAC 0.00083; 1000 Genomes Project 0.00160; 1000 Genomes Project 30x 0.00172; gnomAD 0.00191 and 0.00233; TOPMed 0.00265; ESP Exome Variant Server 0.00269.
gnomAD v4.1: 780 of 1,614,110 alleles (0.048%); highest among the groups gnomAD compares: African/African-American, 0.78%; 3 homozygotes.

Submissions (5):

Labcorp Genetics (formerly Invitae), Labcorp
Classification: Benign for Holocarboxylase synthetase deficiency. Last evaluated: 2026-01-28. Review status: criteria provided, single submitter. Criteria: Invitae Variant Classification Sherloc (09022015). Collection method: clinical testing. Allele origin: germline.

Blueprint Genetics
Classification: Likely benign. Last evaluated: 2024-11-27. Review status: criteria provided, single submitter. Criteria: ACMG Guidelines, 2015. Collection method: clinical testing. Allele origin: germline.

GeneDx
Classification: Likely benign. Last evaluated: 2019-04-16. Review status: criteria provided, single submitter. Criteria: GeneDx Variant Classification Process June 2021. Collection method: clinical testing. Allele origin: germline. Affected: yes.
Comment: This variant is associated with the following publications: (PMID: 26334177)

Breakthrough Genomics
Classification: Likely benign. Review status: criteria provided, single submitter. Criteria: ACMG Guidelines, 2015. Collection method: not provided. Allele origin: germline. Inheritance: Autosomal recessive inheritance. Affected: yes.

Natera, Inc.
Classification: Benign for Holocarboxylase synthetase deficiency. Last evaluated: 2019-12-13. Review status: no assertion criteria provided. Collection method: clinical testing. Allele origin: germline. Not counted in ClinVar's aggregate classification.

NM_001352514.2(HLCS):c.914C>T (p.Thr305Met)

Gene: HLCS (holocarboxylase synthetase; minus strand). Cytogenetic location: 21q22.13.
Variant type: single nucleotide variant.
Coding change: c.914C>T on transcript NM_001352514.2 (MANE Select); coding-DNA position 914, C replaced by T.
Protein change: p.Thr305Met; replaces threonine 305 with methionine.
Molecular consequence: missense variant. On other transcripts: non-coding transcript variant (2).
Genome position (GRCh38, 1-based): chr21:36,936,972, G>A on the plus strand (C>T on the coding strand, the complement: HLCS is on the minus strand). VCF-style: chr21-36936972-G-A. GRCh37 (hg19) VCF-style: chr21-38309272-G-A.
Other names: p.T158M:ACG>ATG; c.473C>T, p.Thr158Met (NM_000411.8, NM_001242784.3, NM_001242785.2 and 4 more transcripts); short protein forms T158M, T305M.
Identifiers: ClinVar variation 203760 (VCV000203760.19), dbSNP rs112176097, ClinGen allele CA312605.